The following is an entry in ClinVar:

NM_000069.3(CACNA1S):c.4742A>G (p.Glu1581Gly)

Gene: CACNA1S (calcium voltage-gated channel subunit alpha1 S; minus strand). Cytogenetic location: 1q32.1.
Variant type: single nucleotide variant.
Coding change: c.4742A>G on transcript NM_000069.3 (MANE Select); coding-DNA position 4742, A replaced by G.
Protein change: p.Glu1581Gly; replaces glutamic acid 1581 with glycine.
Molecular consequence: missense variant.
Genome position (GRCh38, 1-based): chr1:201,044,383, T>C on the plus strand (A>G on the coding strand, the complement: CACNA1S is on the minus strand). VCF-style: chr1-201044383-T-C. GRCh37 (hg19) VCF-style: chr1-201013511-T-C.
Other names: short protein forms E1581G.
Identifiers: ClinVar variation 3072293 (VCV003072293.1), dbSNP rs2464415748, ClinGen allele CA344139448.

ClinVar aggregate classification (germline): Uncertain significance (1 of 4 stars; one submission).

Conditions:
Malignant hyperthermia, susceptibility to, 5 (MHS5). Also called: CACNA1S-Related Malignant Hyperthermia Susceptibility. Identifiers: Orphanet 423, MedGen C1866077, MONDO:0011163, OMIM 601887.

Submission:

All of Us Research Program, National Institutes of Health
Classification: Uncertain significance for Malignant hyperthermia, susceptibility to, 5. Last evaluated: 2023-08-15. Review status: criteria provided, single submitter. Criteria: ACMG Guidelines, 2015. Collection method: clinical testing. Allele origin: germline. Inheritance: Autosomal dominant inheritance. Observed: 1 variant allele, 1 heterozygote.
Comment: This study involves interpretation of variants in research participants for the purpose of population health screening. Participant phenotype was not available at the time of variant classification. Additional details can be found in publication PMID: 35346344, PMCID: PMC8962531